The following is an entry in ClinVar:

NM_000093.5(COL5A1):c.4541C>A (p.Pro1514His)

Genes: COL5A1 (collagen type V alpha 1 chain; plus strand), LOC101448202 (uncharacterized LOC101448202; minus strand). Cytogenetic location: 9q34.3.
Variant type: single nucleotide variant.
Coding change: c.4541C>A on transcript NM_000093.5 (MANE Select); coding-DNA position 4541, C replaced by A.
Protein change: p.Pro1514His; replaces proline 1514 with histidine.
Molecular consequence: missense variant.
Genome position (GRCh38, 1-based): chr9:134,820,210, C>A. VCF-style: chr9-134820210-C-A. GRCh37 (hg19) VCF-style: chr9-137712056-C-A.
Other names: c.4541C>A, p.Pro1514His (NM_001278074.1); short protein forms P1514H.
Identifiers: ClinVar variation 1320441 (VCV001320441.2), dbSNP rs2132869183, ClinGen allele CA375457910.

ClinVar aggregate classification (germline): Uncertain significance (1 of 4 stars; one submission).

Allele frequency attached by ClinVar (database versions not stated): gnomAD exomes below 0.00001.
gnomAD v4.1: 3 of 1,613,664 alleles (0.00019%); highest among the groups gnomAD compares: Non-Finnish European, 0.00025%; no homozygotes.

Submission:

GeneDx
Classification: Uncertain significance. Last evaluated: 2019-06-25. Review status: criteria provided, single submitter. Criteria: GeneDx Variant Classification Process June 2021. Collection method: clinical testing. Allele origin: germline. Affected: yes.
Comment: Has not been previously published as pathogenic or benign to our knowledge; Not observed in large population cohorts (Lek et al., 2016); In silico analysis, which includes protein predictors and evolutionary conservation, supports a deleterious effect; Occurs in the triple helical domain at the X position in the canonical Gly-X-Y repeat; although this variant may have an effect on normal protein folding and function, missense substitution at the X position is not a common mechanism of disease (Symoens et al., 2012; Stenson et al., 2014)